The following is an entry in ClinVar:

NM_000540.3(RYR1):c.7153C>G (p.Arg2385Gly)

Gene: RYR1 (ryanodine receptor 1; plus strand). Cytogenetic location: 19q13.2.
Variant type: single nucleotide variant.
Coding change: c.7153C>G on transcript NM_000540.3 (MANE Select); coding-DNA position 7153, C replaced by G.
Protein change: p.Arg2385Gly; replaces arginine 2385 with glycine.
Molecular consequence: missense variant.
Genome position (GRCh38, 1-based): chr19:38,499,760, C>G. VCF-style: chr19-38499760-C-G. GRCh37 (hg19) VCF-style: chr19-38990400-C-G.
Other names: c.7153C>G, p.Arg2385Gly (NM_001042723.2); short protein forms R2385G.
Identifiers: ClinVar variation 3074512 (VCV003074512.1), dbSNP rs202111332, ClinGen allele CA405668432.

ClinVar aggregate classification (germline): Uncertain significance (1 of 4 stars; one submission).

Conditions:
Malignant hyperthermia, susceptibility to, 1 (MHS1). Also called: Anesthesia related hyperthermia; Malignant hyperpyrexia; Fulminating hyperpyrexia; Pharmacogenic myopathy; RYR1-Related Malignant Hyperthermia Susceptibility; Malignant hyperthermia suceptibility 1. Identifiers: Orphanet 423, MedGen C2930980, MONDO:0007783, OMIM 145600.

gnomAD v4.1: 3 of 1,601,862 alleles (0.00019%); highest among the groups gnomAD compares: Admixed American, 0.005%; no homozygotes.

Submission:

All of Us Research Program, National Institutes of Health
Classification: Uncertain significance for Malignant hyperthermia, susceptibility to, 1. Last evaluated: 2023-11-20. Review status: criteria provided, single submitter. Criteria: ACMG Guidelines, 2015. Collection method: clinical testing. Allele origin: germline. Inheritance: Autosomal dominant inheritance. Observed: 1 variant allele, 1 heterozygote.
Comment: This missense variant replaces arginine with glycine at codon 2385 of the RYR1 protein. Computational prediction is inconclusive regarding the impact of this variant on protein structure and function (internally defined REVEL score threshold 0.5 < inconclusive < 0.7, PMID: 27666373). To our knowledge, functional studies have not been reported for this variant. This variant has not been reported in individuals affected with RYR1-related disorders in the literature. This variant has been identified in 1/31310 chromosomes in the general population by the Genome Aggregation Database (gnomAD). The available evidence is insufficient to determine the role of this variant in disease conclusively. Therefore, this variant is classified as a Variant of Uncertain Significance.

This study involves interpretation of variants in research participants for the purpose of population health screening. Participant phenotype was not available at the time of variant classification. Additional details can be found in publication PMID: 35346344, PMCID: PMC8962531